The following is an entry in ClinVar:

NM_001002295.2(GATA3):c.849C>A (p.Tyr283Ter)

Gene: GATA3 (GATA binding protein 3; plus strand). Cytogenetic location: 10p14.
Variant type: single nucleotide variant.
Coding change: c.849C>A on transcript NM_001002295.2 (MANE Select); coding-DNA position 849, C replaced by A.
Protein change: p.Tyr283Ter; replaces tyrosine 283 with a stop codon.
Molecular consequence: nonsense.
Genome position (GRCh38, 1-based): chr10:8,064,063, C>A. VCF-style: chr10-8064063-C-A. GRCh37 (hg19) VCF-style: chr10-8106026-C-A.
Other names: c.846C>A, p.Tyr282Ter (NM_002051.3); short protein forms Y283*, Y282*.
Identifiers: ClinVar variation 2755188 (VCV002755188.3), dbSNP rs138698611, ClinGen allele CA375973520.

ClinVar aggregate classification (germline): Pathogenic (1 of 4 stars; one submission).

Submission:

Labcorp Genetics (formerly Invitae), Labcorp
Classification: Pathogenic. Last evaluated: 2023-08-25. Review status: criteria provided, single submitter. Criteria: Invitae Variant Classification Sherloc (09022015). Collection method: clinical testing. Allele origin: germline.
Comment: This variant is not present in population databases (gnomAD no frequency). This sequence change creates a premature translational stop signal (p.Tyr283*) in the GATA3 gene. It is expected to result in an absent or disrupted protein product. Loss-of-function variants in GATA3 are known to be pathogenic (PMID: 14985365, 21242646). This variant has not been reported in the literature in individuals affected with GATA3-related conditions. For these reasons, this variant has been classified as Pathogenic.

Literature cited by the submitters: PubMed 14985365; PubMed 21242646.